The following is an entry in ClinVar:

ClinVar aggregate classification (germline): Pathogenic (1 of 4 stars; one submission).

Conditions:
Lynch syndrome 5 (LYNCH5). Also called: Colorectal cancer, hereditary nonpolyposis, type 5; Hereditary non-polyposis colorectal cancer, type 5. Identifiers: Orphanet 144, MedGen C1833477, MONDO:0013710, OMIM 614350. Disease mechanism: loss of function.

Submission:

Myriad Genetics, Inc.
Classification: Pathogenic for Lynch syndrome 5. Last evaluated: 2023-08-21. Review status: criteria provided, single submitter. Criteria: Myriad Autosomal Dominant, Autosomal Recessive and X-Linked Classification Criteria (2023). Collection method: clinical testing. Allele origin: unknown.
Comment: This variant is considered pathogenic. This variant creates a frameshift predicted to result in premature protein truncation.

NM_000179.3(MSH6):c.2955del (p.Phe985fs)

Gene: MSH6 (mutS homolog 6; plus strand). Cytogenetic location: 2p16.3.
Variant type: Deletion.
Coding change: c.2955del on transcript NM_000179.3 (MANE Select); coding-DNA position 2955, one base deleted (C; older notation c.2955delC).
Protein change: p.Phe985fs; shifts the reading frame from phenylalanine 985.
Molecular consequence: frameshift variant. On other transcripts: non-coding transcript variant (5), intron variant (2).
Genome position (GRCh38, 1-based): chr2:47,800,938, C deleted. VCF-style (leftmost placement, unchanged base first): chr2-47800937-TC-T. GRCh37 (hg19) VCF-style: chr2-48028076-TC-T.
Other names: c.2565del, p.Phe855fs (NM_001281492.2); c.2049del, p.Phe683fs (NM_001281493.2, NM_001281494.2, NM_001406811.1 and 6 more transcripts); c.3051del, p.Phe1017fs (NM_001406795.1, NM_001406802.1); c.2955del, p.Phe985fs (NM_001406796.1, NM_001406798.1, NM_001406800.1 and 2 more transcripts); c.2658del, p.Phe886fs (NM_001406797.1, NM_001406801.1, NM_001406805.1 and 10 more transcripts); c.2430del, p.Phe810fs (NM_001406799.1, NM_001406806.1, NM_001406807.1); c.2877del, p.Phe959fs (NM_001406804.1); c.2961del, p.Phe987fs (NM_001406813.1); and 4 more; short protein forms F1017fs, F300fs, F683fs, F810fs, F855fs, F886fs, F929fs, F959fs.
Identifiers: ClinVar variation 2673699 (VCV002673699.1), dbSNP rs2530703845, ClinGen allele CA2695200603.